The following is an entry in ClinVar:

NM_006035.4(CDC42BPB):c.3475G>T (p.Val1159Phe)

Gene: CDC42BPB (CDC42 binding protein kinase beta; minus strand). Cytogenetic location: 14q32.32.
Variant type: single nucleotide variant.
Coding change: c.3475G>T on transcript NM_006035.4 (MANE Select); coding-DNA position 3475, G replaced by T.
Protein change: p.Val1159Phe; replaces valine 1159 with phenylalanine.
Molecular consequence: missense variant.
Genome position (GRCh38, 1-based): chr14:102,947,777, C>A on the plus strand (G>T on the coding strand, the complement: CDC42BPB is on the minus strand). VCF-style: chr14-102947777-C-A. GRCh37 (hg19) VCF-style: chr14-103414114-C-A.
Other names: c.3397G>T, p.Val1133Phe (NM_001411054.1); short protein forms V1133F, V1159F.
Identifiers: ClinVar variation 4087986 (VCV004087986.1).

ClinVar aggregate classification (germline): Uncertain significance (1 of 4 stars; one submission).

Submission:

GeneDx
Classification: Uncertain significance. Last evaluated: 2025-03-26. Review status: criteria provided, single submitter. Criteria: GeneDx Variant Classification Process June 2021. Collection method: clinical testing. Allele origin: germline. Affected: yes.
Comment: Not observed at significant frequency in large population cohorts (gnomAD); In silico analysis supports that this missense variant has a deleterious effect on protein structure/function; Has not been previously published as pathogenic or benign to our knowledge